The following is an entry in ClinVar:

NM_002691.4(POLD1):c.3068-18T>A

Gene: POLD1 (DNA polymerase delta 1, catalytic subunit; plus strand). Cytogenetic location: 19q13.33.
Variant type: single nucleotide variant.
Coding change: c.3068-18T>A on transcript NM_002691.4 (MANE Select); 18 bases into the intron before coding-DNA position 3068, T replaced by A.
Molecular consequence: intron variant.
Genome position (GRCh38, 1-based): chr19:50,417,027, T>A. VCF-style: chr19-50417027-T-A. GRCh37 (hg19) VCF-style: chr19-50920284-T-A.
Other names: c.3068-18T>A (NM_001256849.1); c.3146-18T>A (NM_001308632.1).
Identifiers: ClinVar variation 2697837 (VCV002697837.3), dbSNP rs2514074002, ClinGen allele CA2697552019.

ClinVar aggregate classification (germline): Uncertain significance (1 of 4 stars; one submission).

Conditions:
POLD1-related polyposis and colorectal cancer syndrome (CRCS10). Also called: Colorectal cancer 10; Colorectal cancer, susceptibility to, 10; COLORECTAL CANCER, SUSCEPTIBILITY TO, ON CHROMOSOME 19q. Identifiers: Orphanet 220460, MedGen C2675481, MONDO:0012953, OMIM 612591.

Submission:

Labcorp Genetics (formerly Invitae), Labcorp
Classification: Uncertain significance for POLD1-related polyposis and colorectal cancer syndrome. Last evaluated: 2023-11-21. Review status: criteria provided, single submitter. Criteria: Invitae Variant Classification Sherloc (09022015). Collection method: clinical testing. Allele origin: germline.
Comment: This sequence change falls in intron 24 of the POLD1 gene. It does not directly change the encoded amino acid sequence of the POLD1 protein. This variant is not present in population databases (gnomAD no frequency). This variant has not been reported in the literature in individuals affected with POLD1-related conditions. Algorithms developed to predict the effect of sequence changes on RNA splicing suggest that this variant may disrupt the consensus splice site. In summary, the available evidence is currently insufficient to determine the role of this variant in disease. Therefore, it has been classified as a Variant of Uncertain Significance.